The following is an entry in ClinVar:

ClinVar aggregate classification (germline): Uncertain significance. Review status: criteria provided, multiple submitters, no conflicts (2 of 4 stars). 2 submissions from 2 submitters: Uncertain significance (2). Last evaluated 2025-12-15.

Conditions:
Inborn genetic diseases. Identifiers: MedGen C0950123, MeSH D030342.

Allele frequency attached by ClinVar (database versions not stated): gnomAD 0.00009 and 0.00007; TOPMed 0.00022; gnomAD exomes 0.00001.
gnomAD v4.1: 23 of 1,604,780 alleles (0.0014%); highest among the groups gnomAD compares: Admixed American, 0.033%; no homozygotes.

Submissions (2):

Ambry Genetics
Classification: Uncertain significance for Inborn genetic diseases. Last evaluated: 2025-12-15. Review status: criteria provided, single submitter. Criteria: Ambry Variant Classification Scheme 2023. Collection method: clinical testing. Allele origin: germline.

GeneDx
Classification: Uncertain significance. Last evaluated: 2024-03-04. Review status: criteria provided, single submitter. Criteria: GeneDx Variant Classification Process June 2021. Collection method: clinical testing. Allele origin: germline. Affected: yes.
Comment: Not observed at significant frequency in large population cohorts (gnomAD); In silico analysis supports that this missense variant has a deleterious effect on protein structure/function; Has not been previously published as pathogenic or benign to our knowledge

NM_032380.5(GFM2):c.277T>C (p.Tyr93His)

Gene: GFM2 (GTP dependent ribosome recycling factor mitochondrial 2; minus strand). Cytogenetic location: 5q13.3.
Variant type: single nucleotide variant.
Coding change: c.277T>C on transcript NM_032380.5 (MANE Select); coding-DNA position 277, T replaced by C.
Protein change: p.Tyr93His; replaces tyrosine 93 with histidine.
Molecular consequence: missense variant. On other transcripts: non-coding transcript variant (1).
Genome position (GRCh38, 1-based): chr5:74,758,876, A>G on the plus strand (T>C on the coding strand, the complement: GFM2 is on the minus strand). VCF-style: chr5-74758876-A-G. GRCh37 (hg19) VCF-style: chr5-74054701-A-G.
Other names: p.Y93H:TAT>CAT; c.373T>C, p.Tyr125His (NM_001281302.2); c.277T>C, p.Tyr93His (NM_170681.3, NM_170691.3); short protein forms Y93H, Y125H.
Identifiers: ClinVar variation 214520 (VCV000214520.5), dbSNP rs863224038, ClinGen allele CA323889.